The following is an entry in ClinVar:

NM_000397.4(CYBB):c.654C>A (p.Gly218=)

Gene: CYBB (cytochrome b-245 beta chain; plus strand). Cytogenetic location: Xp21.1.
Variant type: single nucleotide variant.
Coding change: c.654C>A on transcript NM_000397.4 (MANE Select); coding-DNA position 654, C replaced by A.
Protein change: p.Gly218=; no amino-acid change (glycine 218 retained).
Molecular consequence: synonymous variant.
Genome position (GRCh38, 1-based): chrX:37,796,121, C>A. VCF-style: chrX-37796121-C-A. GRCh37 (hg19) VCF-style: chrX-37655374-C-A.
Identifiers: ClinVar variation 35975 (VCV000035975.21), dbSNP rs35080474, ClinGen allele CA213638.

ClinVar aggregate classification (germline): Benign/Likely benign. Review status: criteria provided, multiple submitters, no conflicts (2 of 4 stars). 6 submissions from 6 submitters: Benign (2); Likely benign (3). 1 of the submissions does not count toward it. Last evaluated 2026-01-31.

Conditions:
CYBB-related disorder. Also called: CYBB-related condition.
Granulomatous disease, chronic, X-linked. Also called: CYTOCHROME b-NEGATIVE GRANULOMATOUS DISEASE, CHRONIC, X-LINKED; GRANULOMATOUS DISEASE, CHRONIC, X-LINKED, SOMATIC MOSAIC. Identifiers: Orphanet 379, MedGen C1844376, MONDO:0010600, OMIM 306400.

Allele frequency attached by ClinVar (database versions not stated): gnomAD exomes 0.00083 and 0.00031; ExAC 0.00093; gnomAD 0.00285 and 0.00303; ESP Exome Variant Server 0.00303; TOPMed 0.00348; 1000 Genomes Project 0.00371; 1000 Genomes Project 30x 0.00416.
gnomAD v4.1: 660 of 1,206,526 alleles (0.055%); highest among the groups gnomAD compares: African/African-American, 1.1%; 1 homozygote.

Submissions (6):

Labcorp Genetics (formerly Invitae), Labcorp
Classification: Benign for Granulomatous disease, chronic, X-linked. Last evaluated: 2026-01-31. Review status: criteria provided, single submitter. Criteria: Invitae Variant Classification Sherloc (09022015). Collection method: clinical testing. Allele origin: germline.

Blueprint Genetics
Classification: Likely benign. Last evaluated: 2024-05-28. Review status: criteria provided, single submitter. Criteria: ACMG Guidelines, 2015. Collection method: clinical testing. Allele origin: germline.

Eurofins Ntd Llc (ga)
Classification: Benign. Last evaluated: 2017-05-24. Review status: criteria provided, single submitter. Criteria: EGL Classification Definitions 2015. Collection method: clinical testing. Allele origin: germline. Observed: 1 variant allele, 1 hemizygote.

Women's Health and Genetics/Laboratory Corporation of America, LabCorp
Classification: Likely benign for X-linked Chronic Granulomatous Disease. Last evaluated: 2011-08-18. Review status: criteria provided, single submitter. Criteria: LabCorp Variant Classification Summary - May 2015. Collection method: curation, clinical testing. Allele origin: germline. Inheritance: Xlinked NA. Affected: yes.
ClinVar note: Converted during submission from likely benign to Likely benign.

Breakthrough Genomics
Classification: Likely benign. Review status: criteria provided, single submitter. Criteria: ACMG Guidelines, 2015. Collection method: not provided. Allele origin: germline. Inheritance: X-linked inheritance. Affected: yes.

PreventionGenetics, part of Exact Sciences
Classification: Likely benign for CYBB-related condition. Last evaluated: 2019-05-01. Review status: no assertion criteria provided. Collection method: clinical testing. Allele origin: germline. Not counted in ClinVar's aggregate classification.
Comment: This variant is classified as likely benign based on ACMG/AMP sequence variant interpretation guidelines (Richards et al. 2015 PMID: 25741868, with internal and published modifications).